The following is an entry in ClinVar:

ClinVar aggregate classification (germline): Conflicting classifications of pathogenicity. Review status: criteria provided, conflicting classifications (1 of 4 stars). 6 submissions from 6 submitters: Uncertain significance (4); Likely benign (2). Last evaluated 2024-11-18.

Conditions:
Imerslund-Grasbeck syndrome type 1 (IGS1). Also called: Megaloblastic anemia 1, Finnish type; MEGALOBLASTIC ANEMIA, 1; Imerslund-Gräsbeck syndrome 1. Identifiers: MedGen C4016819, MONDO:0100156, OMIM 261100.
Proteinuria, chronic benign. Identifiers: MedGen C5394384, MONDO:0030042, OMIM 618884.
Inborn genetic diseases. Identifiers: MedGen C0950123, MeSH D030342.
Imerslund-Grasbeck syndrome. Also called: ENTEROCYTE COBALAMIN MALABSORPTION; ENTEROCYTE INTRINSIC FACTOR RECEPTOR, DEFECT OF; Imerslund-Gräsbeck syndrome; PERNICIOUS ANEMIA, JUVENILE, DUE TO SELECTIVE INTESTINAL MALABSORPTION OF VITAMIN B12, WITH PROTEINURIA; Megaloblastic anemia due to inborn errors of metabolism. Identifiers: Orphanet 35858, MedGen C4551825, MONDO:0009853.

Allele frequency attached by ClinVar (database versions not stated): gnomAD 0.00003 and 0.00005; gnomAD exomes 0.00005 and 0.00009; TOPMed 0.00006; ExAC 0.00009.
gnomAD v4.1: 86 of 1,613,714 alleles (0.0053%); highest among the groups gnomAD compares: East Asian, 0.12%; no homozygotes.

Submissions (6):

Blueprint Genetics
Classification: Likely benign. Last evaluated: 2024-11-18. Review status: criteria provided, single submitter. Criteria: ACMG Guidelines, 2015. Collection method: clinical testing. Allele origin: germline.

Fulgent Genetics
Classification: Uncertain significance for Imerslund-Grasbeck syndrome type 1; Proteinuria, chronic benign. Last evaluated: 2024-06-17. Review status: criteria provided, single submitter. Criteria: ACMG Guidelines, 2015. Collection method: clinical testing. Allele origin: germline.

GeneDx
Classification: Uncertain significance. Last evaluated: 2022-10-06. Review status: criteria provided, single submitter. Criteria: GeneDx Variant Classification Process June 2021. Collection method: clinical testing. Allele origin: germline. Affected: yes.
Comment: In silico analysis supports that this missense variant does not alter protein structure/function; Has not been previously published as pathogenic or benign to our knowledge

Labcorp Genetics (formerly Invitae), Labcorp
Classification: Uncertain significance for Imerslund-Grasbeck syndrome. Last evaluated: 2022-06-08. Review status: criteria provided, single submitter. Criteria: Invitae Variant Classification Sherloc (09022015). Collection method: clinical testing. Allele origin: germline.
Comment: This sequence change replaces valine, which is neutral and non-polar, with isoleucine, which is neutral and non-polar, at codon 246 of the CUBN protein (p.Val246Ile). This variant is present in population databases (rs760990753, gnomAD 0.09%). This variant has not been reported in the literature in individuals affected with CUBN-related conditions. ClinVar contains an entry for this variant (Variation ID: 299539). Algorithms developed to predict the effect of missense changes on protein structure and function output the following: SIFT: "Tolerated"; PolyPhen-2: "Benign"; Align-GVGD: "Class C0". The isoleucine amino acid residue is found in multiple mammalian species, which suggests that this missense change does not adversely affect protein function. In summary, the available evidence is currently insufficient to determine the role of this variant in disease. Therefore, it has been classified as a Variant of Uncertain Significance.

Ambry Genetics
Classification: Likely benign for Inborn genetic diseases. Last evaluated: 2022-04-13. Review status: criteria provided, single submitter. Criteria: Ambry Variant Classification Scheme 2023. Collection method: clinical testing. Allele origin: germline.

Illumina Laboratory Services, Illumina
Classification: Uncertain significance for Imerslund-Grasbeck syndrome type 1. Last evaluated: 2018-01-13. Review status: criteria provided, single submitter. Criteria: ICSL Variant Classification Criteria 13 December 2019. Collection method: clinical testing. Allele origin: germline.

NM_001081.4(CUBN):c.736G>A (p.Val246Ile)

Gene: CUBN (cubilin; minus strand). Cytogenetic location: 10p13.
Variant type: single nucleotide variant.
Coding change: c.736G>A on transcript NM_001081.4 (MANE Select); coding-DNA position 736, G replaced by A.
Protein change: p.Val246Ile; replaces valine 246 with isoleucine.
Molecular consequence: missense variant.
Genome position (GRCh38, 1-based): chr10:17,114,174, C>T on the plus strand (G>A on the coding strand, the complement: CUBN is on the minus strand). VCF-style: chr10-17114174-C-T. GRCh37 (hg19) VCF-style: chr10-17156173-C-T.
Other names: short protein forms V246I.
Identifiers: ClinVar variation 299539 (VCV000299539.12), dbSNP rs760990753, ClinGen allele CA5425512.